The following is an entry in ClinVar:

NM_133433.4(NIPBL):c.2426C>T (p.Ser809Phe)

Gene: NIPBL (NIPBL cohesin loading factor; plus strand). Cytogenetic location: 5p13.2.
Variant type: single nucleotide variant.
Coding change: c.2426C>T on transcript NM_133433.4 (MANE Select); coding-DNA position 2426, C replaced by T.
Protein change: p.Ser809Phe; replaces serine 809 with phenylalanine.
Molecular consequence: missense variant.
Genome position (GRCh38, 1-based): chr5:36,985,606, C>T. VCF-style: chr5-36985606-C-T. GRCh37 (hg19) VCF-style: chr5-36985708-C-T.
Other names: c.2426C>T, p.Ser809Phe (NM_015384.5); short protein forms S809F.
Identifiers: ClinVar variation 2014126 (VCV002014126.4), dbSNP rs1219382813, ClinGen allele CA359501197.

ClinVar aggregate classification (germline): Uncertain significance (1 of 4 stars; one submission).

Conditions:
Cornelia de Lange syndrome 1 (CDLS1). Also called: Brachmann de Lange syndrome; NIPBL-Related Cornelia de Lange Syndrome; TYPUS DEGENERATIVUS AMSTELODAMENSIS. Identifiers: Orphanet 199, MedGen C4551851, MONDO:0007387, OMIM 122470.

Allele frequency attached by ClinVar (database versions not stated): TOPMed below 0.00001.

Submission:

Labcorp Genetics (formerly Invitae), Labcorp
Classification: Uncertain significance for Cornelia de Lange syndrome 1. Last evaluated: 2022-07-04. Review status: criteria provided, single submitter. Criteria: Invitae Variant Classification Sherloc (09022015). Collection method: clinical testing. Allele origin: germline.
Comment: This sequence change replaces serine, which is neutral and polar, with phenylalanine, which is neutral and non-polar, at codon 809 of the NIPBL protein (p.Ser809Phe). This variant is not present in population databases (gnomAD no frequency). This variant has not been reported in the literature in individuals affected with NIPBL-related conditions. Advanced modeling of protein sequence and biophysical properties (such as structural, functional, and spatial information, amino acid conservation, physicochemical variation, residue mobility, and thermodynamic stability) performed at Invitae indicates that this missense variant is not expected to disrupt NIPBL protein function. In summary, the available evidence is currently insufficient to determine the role of this variant in disease. Therefore, it has been classified as a Variant of Uncertain Significance.